The following is an entry in ClinVar:

NM_000051.4(ATM):c.1342C>G (p.His448Asp)

Gene: ATM (ATM serine/threonine kinase; plus strand). Cytogenetic location: 11q22.3.
Variant type: single nucleotide variant.
Coding change: c.1342C>G on transcript NM_000051.4 (MANE Select); coding-DNA position 1342, C replaced by G.
Protein change: p.His448Asp; replaces histidine 448 with aspartic acid.
Molecular consequence: missense variant.
Genome position (GRCh38, 1-based): chr11:108,250,807, C>G. VCF-style: chr11-108250807-C-G. GRCh37 (hg19) VCF-style: chr11-108121534-C-G.
Other names: c.1342C>G, p.His448Asp (NM_001351834.2); short protein forms H448D.
Identifiers: ClinVar variation 2069691 (VCV002069691.3), dbSNP rs2080098243, ClinGen allele CA382533745.
Genomic context (GRCh38, chr11:108,250,807, plus strand): 5'-CCTAACTGTGAGCTGTCTCCATTACTGATGATACTATCTCAGCTTCTACCCCAACAGCGA[C>G]ATGGGGAACGTACACCATATGTGTTACGATGCCTTACGGAAGTTGCATTGTGTCAAGACA-3'
Protein context (NP_000042.3, residues 438-458): ILSQLLPQQR[His448Asp]GERTPYVLRC

ClinVar aggregate classification (germline): Uncertain significance (1 of 4 stars; one submission).

Conditions:
Ataxia-telangiectasia syndrome (AT). Also called: Ataxia-telangiectasia, complementation group E; Ataxia-telangiectasia; Ataxia telangiectasia (A-T); Cerebello-oculocutaneous telangiectasia; Immunodeficiency with ataxia telangiectasia; LOUIS-BAR SYNDROME. Identifiers: Orphanet 100, MedGen C0004135, MONDO:0008840, OMIM 208900.

Allele frequency attached by ClinVar (database versions not stated): TOPMed below 0.00001; gnomAD exomes 0.00001.
gnomAD v4.1: 6 of 1,613,932 alleles (0.00037%); highest among the groups gnomAD compares: Non-Finnish European, 0.00051%; no homozygotes.

Submission:

Labcorp Genetics (formerly Invitae), Labcorp
Classification: Uncertain significance for Ataxia-telangiectasia syndrome. Last evaluated: 2022-03-09. Review status: criteria provided, single submitter. Criteria: Invitae Variant Classification Sherloc (09022015). Collection method: clinical testing. Allele origin: germline.
Comment: This sequence change replaces histidine, which is basic and polar, with aspartic acid, which is acidic and polar, at codon 448 of the ATM protein (p.His448Asp). In summary, the available evidence is currently insufficient to determine the role of this variant in disease. Therefore, it has been classified as a Variant of Uncertain Significance. Advanced modeling of protein sequence and biophysical properties (such as structural, functional, and spatial information, amino acid conservation, physicochemical variation, residue mobility, and thermodynamic stability) performed at Invitae indicates that this missense variant is not expected to disrupt ATM protein function. This variant has not been reported in the literature in individuals affected with ATM-related conditions. This variant is not present in population databases (gnomAD no frequency).